The following is an entry in ClinVar:

ClinVar aggregate classification (germline): Likely benign (1 of 4 stars; one submission).

Allele frequency attached by ClinVar (database versions not stated): ExAC 0.00014; ESP Exome Variant Server 0.00015.
gnomAD v4.1: 159 of 1,612,662 alleles (0.0099%); highest among the groups gnomAD compares: Non-Finnish European, 0.0074%; no homozygotes.

Submission:

CeGaT Center for Human Genetics Tuebingen
Classification: Likely benign. Last evaluated: 2023-09-01. Review status: criteria provided, single submitter. Criteria: CeGaT Center For Human Genetics Tuebingen Variant Classification Criteria Version 2. Collection method: clinical testing. Allele origin: germline. Affected: yes. Observed: 1 variant allele.
Comment: UTRN: BP4

NM_007124.3(UTRN):c.10065+8G>T

Gene: UTRN (utrophin; plus strand). Cytogenetic location: 6q24.2.
Variant type: single nucleotide variant.
Coding change: c.10065+8G>T on transcript NM_007124.3 (MANE Select); 8 bases into the intron after coding-DNA position 10065, G replaced by T.
Molecular consequence: intron variant.
Genome position (GRCh38, 1-based): chr6:144,836,549, G>T. VCF-style: chr6-144836549-G-T. GRCh37 (hg19) VCF-style: chr6-145157685-G-T.
Other names: c.2730+8G>T (NM_001375323.1).
Identifiers: ClinVar variation 2656965 (VCV002656965.24), dbSNP rs369732551, ClinGen allele CA4034810.